The following is an entry in ClinVar:

NM_024675.4(PALB2):c.119G>T (p.Arg40Ile)

Gene: PALB2 (partner and localizer of BRCA2; minus strand). Cytogenetic location: 16p12.2.
Variant type: single nucleotide variant.
Coding change: c.119G>T on transcript NM_024675.4 (MANE Select); coding-DNA position 119, G replaced by T.
Protein change: p.Arg40Ile; replaces arginine 40 with isoleucine.
Molecular consequence: missense variant. On other transcripts: 5 prime UTR variant (8), intron variant (3).
Genome position (GRCh38, 1-based): chr16:23,637,942, C>A on the plus strand (G>T on the coding strand, the complement: PALB2 is on the minus strand). VCF-style: chr16-23637942-C-A. GRCh37 (hg19) VCF-style: chr16-23649263-C-A.
Other names: c.59G>T, p.Arg20Ile (NM_001407296.1); c.119G>T, p.Arg40Ile (NM_001407297.1, NM_001407298.1, NM_001407299.1 and 3 more transcripts); c.-767G>T (NM_001407304.1, NM_001407305.1, NM_001407306.1 and 5 more transcripts); c.48+3168G>T (NM_001407314.1); c.-105+3168G>T (NM_001407313.1, NM_001407312.1); short protein forms R20I, R40I.
Identifiers: ClinVar variation 3413499 (VCV003413499.1).

ClinVar aggregate classification (germline): Uncertain significance (1 of 4 stars; one submission).

Conditions:
Hereditary cancer-predisposing syndrome. Also called: Neoplastic Syndromes, Hereditary; Tumor predisposition; Hereditary Cancer Syndrome; Hereditary neoplastic syndrome. Identifiers: Orphanet 140162, MedGen C0027672, MeSH D009386, MONDO:0015356.

Submission:

Ambry Genetics
Classification: Uncertain significance for Hereditary cancer-predisposing syndrome. Last evaluated: 2024-11-17. Review status: criteria provided, single submitter. Criteria: Ambry Variant Classification Scheme 2023. Collection method: clinical testing. Allele origin: germline.
Comment: The p.R40I variant (also known as c.119G>T), located in coding exon 3 of the PALB2 gene, results from a G to T substitution at nucleotide position 119. The arginine at codon 40 is replaced by isoleucine, an amino acid with similar properties. This amino acid position is conserved. In addition, this alteration is predicted to be tolerated by in silico analysis. Based on the available evidence, the clinical significance of this variant remains unclear.